The following is an entry in ClinVar:

NM_014806.5(RUSC2):c.3611C>A (p.Ser1204Tyr)

Gene: RUSC2 (RUN and SH3 domain containing 2; plus strand). Cytogenetic location: 9p13.3.
Variant type: single nucleotide variant.
Coding change: c.3611C>A on transcript NM_014806.5 (MANE Select); coding-DNA position 3611, C replaced by A.
Protein change: p.Ser1204Tyr; replaces serine 1204 with tyrosine.
Molecular consequence: missense variant. On other transcripts: non-coding transcript variant (1).
Genome position (GRCh38, 1-based): chr9:35,560,251, C>A. VCF-style: chr9-35560251-C-A. GRCh37 (hg19) VCF-style: chr9-35560248-C-A.
Other names: c.3611C>A, p.Ser1204Tyr (NM_001135999.2); c.977C>A, p.Ser326Tyr (NM_001330740.2); c.3611C>A (NM_001135999.1); short protein forms S326Y, S1204Y.
Identifiers: ClinVar variation 1468627 (VCV001468627.5), dbSNP rs751360396, ClinGen allele CA5044197.

ClinVar aggregate classification (germline): Uncertain significance. Review status: criteria provided, multiple submitters, no conflicts (2 of 4 stars). 2 submissions from 2 submitters: Uncertain significance (2). Last evaluated 2025-10-22.

Allele frequency attached by ClinVar (database versions not stated): gnomAD exomes 0.00001; gnomAD 0.00003 and 0.00004; ExAC 0.00002; TOPMed 0.00004.
gnomAD v4.1: 14 of 1,596,344 alleles (0.00088%); highest among the groups gnomAD compares: African/African-American, 0.017%; no homozygotes.

Submissions (2):

Ambry Genetics
Classification: Uncertain significance. Last evaluated: 2025-10-22. Review status: criteria provided, single submitter. Criteria: Ambry Variant Classification Scheme 2023. Collection method: clinical testing. Allele origin: germline.

Labcorp Genetics (formerly Invitae), Labcorp
Classification: Uncertain significance. Last evaluated: 2023-08-17. Review status: criteria provided, single submitter. Criteria: Invitae Variant Classification Sherloc (09022015). Collection method: clinical testing. Allele origin: germline.
Comment: In summary, the available evidence is currently insufficient to determine the role of this variant in disease. Therefore, it has been classified as a Variant of Uncertain Significance. An algorithm developed to predict the effect of missense changes on protein structure and function (PolyPhen-2) suggests that this variant is likely to be disruptive. ClinVar contains an entry for this variant (Variation ID: 1468627). This variant has not been reported in the literature in individuals affected with RUSC2-related conditions. This variant is present in population databases (rs751360396, gnomAD 0.02%). This sequence change replaces serine, which is neutral and polar, with tyrosine, which is neutral and polar, at codon 1204 of the RUSC2 protein (p.Ser1204Tyr).